The following is an entry in ClinVar:

ClinVar aggregate classification (germline): Pathogenic. Review status: criteria provided, multiple submitters, no conflicts (2 of 4 stars). 5 submissions from 5 submitters: Pathogenic (3). 2 of the submissions do not count toward it. Last evaluated 2025-08-08.

Conditions:
Hereditary cancer-predisposing syndrome. Also called: Hereditary Cancer Syndrome; Neoplastic Syndromes, Hereditary; Hereditary neoplastic syndrome; Tumor predisposition. Identifiers: Orphanet 140162, MedGen C0027672, MeSH D009386, MONDO:0015356.
Familial cancer of breast. Also called: BREAST CANCER, FAMILIAL; Hereditary breast cancer; hereditary breast carcinoma. Identifiers: Orphanet 227535, MedGen C0346153, MONDO:0016419, OMIM 114480. Disease mechanism: loss of function.

Submissions (5):

Ambry Genetics
Classification: Pathogenic for Hereditary cancer-predisposing syndrome. Last evaluated: 2025-08-08. Review status: criteria provided, single submitter. Criteria: Ambry Variant Classification Scheme 2023. Collection method: clinical testing. Allele origin: germline.
Comment: The c.956_962delCTAATTT pathogenic mutation, located in coding exon 4 of the PALB2 gene, results from a deletion of 7 nucleotides at nucleotide positions 956 to 962, causing a translational frameshift with a predicted alternate stop codon (p.S319*). This alteration has been detected in 1/1824 patient with triple-negative breast cancer who were unselected for a family history of breast or ovarian cancer (Couch FJ et al. J Clin Oncol, 2015 Feb;33:304-11). This variant is considered to be rare based on population cohorts in the Genome Aggregation Database (gnomAD). This alteration is expected to result in loss of function by premature protein truncation or nonsense-mediated mRNA decay. As such, this alteration is interpreted as a disease-causing mutation.

Myriad Genetics, Inc.
Classification: Pathogenic for Familial cancer of breast. Last evaluated: 2023-09-07. Review status: criteria provided, single submitter. Criteria: Myriad Autosomal Dominant, Autosomal Recessive and X-Linked Classification Criteria (2023). Collection method: clinical testing. Allele origin: unknown.
Comment: This variant is considered pathogenic. This variant creates a termination codon and is predicted to result in premature protein truncation.

Labcorp Genetics (formerly Invitae), Labcorp
Classification: Pathogenic for Familial cancer of breast. Last evaluated: 2019-06-27. Review status: criteria provided, single submitter. Criteria: Invitae Variant Classification Sherloc (09022015). Collection method: clinical testing. Allele origin: germline.
Comment: For these reasons, this variant has been classified as Pathogenic. Loss-of-function variants in PALB2 are known to be pathogenic (PMID: 17200668, 24136930, 25099575). This variant has been observed in an individual affected with breast cancer (PMID: 25099575). ClinVar contains an entry for this variant (Variation ID: 143980). This variant is not present in population databases (ExAC no frequency). This sequence change creates a premature translational stop signal (p.Ser319*) in the PALB2 gene. It is expected to result in an absent or disrupted protein product.

Leiden Open Variation Database
Classification: Pathogenic for Familial cancer of breast. Last evaluated: 2019-05-13. Review status: no assertion criteria provided. Collection method: curation. Allele origin: germline. Affected: yes. Not counted in ClinVar's aggregate classification.
Comment: Curators: Marc Tischkowitz, Arleen D. Auerbach. Submitter to LOVD: Marc Tischkowitz.

SNPedia
Classification: Pathogenic. Review status: no assertion criteria provided. Collection method: not provided. Allele origin: germline. Not counted in ClinVar's aggregate classification.
ClinVar note: Converted during submission from pathogenic to Pathogenic.

Literature cited by the submitters: PubMed 25452441 (cited by Ambry Genetics and Leiden Open Variation Database); PubMed 17200668 (cited by Labcorp Genetics (formerly Invitae), Labcorp); PubMed 24136930 (cited by Labcorp Genetics (formerly Invitae), Labcorp); PubMed 25099575 (cited by Labcorp Genetics (formerly Invitae), Labcorp and Leiden Open Variation Database).

NM_024675.4(PALB2):c.956_962del (p.Ser318_Ser319insTer)

Gene: PALB2 (partner and localizer of BRCA2; minus strand). Cytogenetic location: 16p12.2.
Variant type: Deletion.
Coding change: c.956_962del on transcript NM_024675.4 (MANE Select); coding-DNA positions 956 to 962, 7 bases deleted (CTAATTT; older notation c.956_962delCTAATTT).
Protein change: p.Ser318_Ser319insTer.
Molecular consequence: nonsense.
Genome position (GRCh38, 1-based): chr16:23,635,584-23,635,590, AAATTAG deleted on the plus strand (CTAATTT on the coding strand, the reverse complement: PALB2 is on the minus strand); deleting any 7 consecutive bases within chr16:23,635,584-23,635,592 gives the same sequence; the c. name uses the placement nearest the transcript's 3' end. VCF-style (leftmost placement, unchanged base first): chr16-23635583-TAAATTAG-T. GRCh37 (hg19) VCF-style: chr16-23646904-TAAATTAG-T.
Other names: c.956_962delCTAATTT (NM_024675.3).
Identifiers: ClinVar variation 143980 (VCV000143980.13), dbSNP rs587776409, ClinGen allele CA294572.